The following is an entry in ClinVar:

ClinVar aggregate classification (germline): Uncertain significance (1 of 4 stars; one submission).

Conditions:
Charcot-Marie-Tooth disease type 2R. Also called: CHARCOT-MARIE-TOOTH DISEASE, AXONAL, AUTOSOMAL RECESSIVE, TYPE 2R; CHARCOT-MARIE-TOOTH NEUROPATHY, TYPE 2R; Charcot-Marie-Tooth disease, axonal, type 2R. Identifiers: Orphanet 397968, MedGen C3809655, MONDO:0014208, OMIM 615490.

Allele frequency attached by ClinVar (database versions not stated): gnomAD 0.00001; gnomAD exomes 0.00001; ExAC 0.00002; TOPMed 0.00002.
gnomAD v4.1: 16 of 1,613,996 alleles (0.00099%); highest among the groups gnomAD compares: Admixed American, 0.027%; no homozygotes.

Submission:

Labcorp Genetics (formerly Invitae), Labcorp
Classification: Uncertain significance for Charcot-Marie-Tooth disease type 2R. Last evaluated: 2022-11-05. Review status: criteria provided, single submitter. Criteria: Invitae Variant Classification Sherloc (09022015). Collection method: clinical testing. Allele origin: germline.
Comment: In summary, the available evidence is currently insufficient to determine the role of this variant in disease. Therefore, it has been classified as a Variant of Uncertain Significance. Algorithms developed to predict the effect of missense changes on protein structure and function are either unavailable or do not agree on the potential impact of this missense change (SIFT: "Deleterious"; PolyPhen-2: "Benign"; Align-GVGD: "Class C0"). This variant has not been reported in the literature in individuals affected with TRIM2-related conditions. This variant is present in population databases (rs756373909, gnomAD 0.04%). This sequence change replaces threonine, which is neutral and polar, with alanine, which is neutral and non-polar, at codon 93 of the TRIM2 protein (p.Thr93Ala).

NM_015271.5(TRIM2):c.358A>G (p.Thr120Ala)

Gene: TRIM2 (tripartite motif containing 2; plus strand). Cytogenetic location: 4q31.3.
Variant type: single nucleotide variant.
Coding change: c.358A>G on transcript NM_015271.5 (MANE Select); coding-DNA position 358, A replaced by G.
Protein change: p.Thr120Ala; replaces threonine 120 with alanine.
Molecular consequence: missense variant. On other transcripts: 5 prime UTR variant (1).
Genome position (GRCh38, 1-based): chr4:153,276,035, A>G. VCF-style: chr4-153276035-A-G. GRCh37 (hg19) VCF-style: chr4-154197187-A-G.
Other names: c.277A>G, p.Thr93Ala (NM_001130067.2, NM_001351056.2, NM_001375512.1 and 5 more transcripts); c.358A>G, p.Thr120Ala (NM_001302692.2, NM_001375488.1, NM_001375490.1 and 1 more transcripts); c.355A>G, p.Thr119Ala (NM_001302693.2, NM_001375489.1, NM_001375491.1 and 1 more transcripts); c.331A>G, p.Thr111Ala (NM_001302694.2, NM_001351054.2); c.328A>G, p.Thr110Ala (NM_001351055.2); c.-200A>G (NM_001351057.2); c.19A>G, p.Thr7Ala (NM_001375522.1, NM_001375523.1, NM_001375525.1); short protein forms T111A, T119A, T7A, T93A, T110A, T120A.
Identifiers: ClinVar variation 1973281 (VCV001973281.5), dbSNP rs756373909, ClinGen allele CA3108509.